The following is an entry in ClinVar:

NM_006269.2(RP1):c.515T>G (p.Leu172Arg)

Gene: RP1 (RP1 axonemal microtubule associated; plus strand). Cytogenetic location: 8q12.1.
Variant type: single nucleotide variant.
Coding change: c.515T>G on transcript NM_006269.2 (MANE Select); coding-DNA position 515, T replaced by G.
Protein change: p.Leu172Arg; replaces leucine 172 with arginine.
Molecular consequence: missense variant.
Genome position (GRCh38, 1-based): chr8:54,621,481, T>G. VCF-style: chr8-54621481-T-G. GRCh37 (hg19) VCF-style: chr8-55534041-T-G.
Other names: short protein forms L172R.
Identifiers: ClinVar variation 195261 (VCV000195261.21), dbSNP rs180729424, ClinGen allele CA241609.
Genomic context (GRCh38, chr8:54,621,481, plus strand): 5'-CCCCACGGAGCCTAGTGGTCTTCAGGAATGGCGACCCGAAGACGAGGCGTGCGGTTCTTC[T>G]GAGCAGGAGGGTCACCCAGAGCTTCGAGGCATTTCTACAGCACCTGACAGAGGTCATGCA-3'
Protein context (NP_006260.1, residues 162-182): GDPKTRRAVL[Leu172Arg]SRRVTQSFEA

ClinVar aggregate classification (germline): Conflicting classifications of pathogenicity. Review status: criteria provided, conflicting classifications (1 of 4 stars). 7 submissions from 7 submitters: Pathogenic (2); Likely pathogenic (1); Uncertain significance (3). 1 of the submissions does not count toward it. Last evaluated 2026-04-10.

Conditions:
RP1-related disorder. Also called: RP1-related condition.
Retinal dystrophy. Also called: Inherited retinal dystrophy. Identifiers: Orphanet 71862, MedGen C0854723, MeSH D058499, MONDO:0019118, HP:0000556.
Retinitis pigmentosa (RP). Identifiers: Orphanet 791, MedGen C0035334, MeSH D012174, MONDO:0019200, OMIM 268000. Inheritance: Autosomal dominant, autosomal recessive and X linked inheritance.

Allele frequency attached by ClinVar (database versions not stated): gnomAD 0.00002 and 0.00003; TOPMed 0.00003; gnomAD exomes 0.00010; ExAC 0.00014.
gnomAD v4.1: 95 of 1,613,960 alleles (0.0059%); highest among the groups gnomAD compares: Non-Finnish European, 0.0055%; no homozygotes.

Submissions (7):

PreventionGenetics, part of Exact Sciences
Classification: Likely pathogenic for RP1-related condition. Last evaluated: 2026-04-10. Review status: criteria provided, single submitter. Criteria: ACMG Guidelines, 2015. Collection method: clinical testing. Allele origin: germline.
Comment: The RP1 c.515T>G variant is predicted to result in the amino acid substitution p.Leu172Arg. This variant has been reported in multiple individuals with autosomal recessive RP1-related inherited retinal disease (Neveling et al. 2012. PubMed ID: 22334370; Avela et al. 2017. PubMed ID: 29068140; Huckfeldt et al. 2020. PubMed ID: 32565670). This variant is reported in 0.051% of alleles in individuals of European (Finnish) descent in gnomAD. This variant is interpreted as likely pathogenic.

GeneDx
Classification: Uncertain significance. Last evaluated: 2026-02-05. Review status: criteria provided, single submitter. Criteria: GeneDx Variant Classification Process June 2021. Collection method: clinical testing. Allele origin: germline.
Comment: In silico analysis supports that this missense variant has a deleterious effect on protein structure/function; This variant is associated with the following publications: (PMID: 39563277, 30913292, 27208204, 29068140, 22334370, 28041643, 38219857, 32565670, 31964843, 36819107, 32581362)

Labcorp Genetics (formerly Invitae), Labcorp
Classification: Pathogenic. Last evaluated: 2025-08-18. Review status: criteria provided, single submitter. Criteria: Invitae Variant Classification Sherloc (09022015). Collection method: clinical testing. Allele origin: germline.
Comment: This sequence change replaces leucine, which is neutral and non-polar, with arginine, which is basic and polar, at codon 172 of the RP1 protein (p.Leu172Arg). This variant is present in population databases (rs180729424, gnomAD 0.05%). This missense change has been observed in individual(s) with autosomal recessive inherited retinal dystrophy (PMID: 22334370, 28041643, 29068140, 32565670). In at least one individual the data is consistent with being in trans (on the opposite chromosome) from a pathogenic variant. ClinVar contains an entry for this variant (Variation ID: 195261). An algorithm developed to predict the effect of missense changes on protein structure and function (PolyPhen-2) suggests that this variant is likely to be disruptive. For these reasons, this variant has been classified as Pathogenic.

Blueprint Genetics
Classification: Pathogenic for RP1-related disorders. Last evaluated: 2024-07-24. Review status: criteria provided, single submitter. Criteria: ACMG Guidelines, 2015. Collection method: clinical testing. Allele origin: germline. Affected: yes. Observed: 5 variant alleles.

Illumina Laboratory Services, Illumina
Classification: Uncertain significance for Retinitis pigmentosa. Last evaluated: 2018-01-12. Review status: criteria provided, single submitter. Criteria: ICSL Variant Classification Criteria 13 December 2019. Collection method: clinical testing. Allele origin: germline.

Eurofins Ntd Llc (ga)
Classification: Uncertain significance. Last evaluated: 2015-10-19. Review status: criteria provided, single submitter. Criteria: EGL Classification Definitions 2015. Collection method: clinical testing. Allele origin: germline. Observed: 2 variant alleles, 2 heterozygotes.

NIHR Bioresource Rare Diseases, University of Cambridge
Classification: Likely pathogenic for Retinal dystrophy. Last evaluated: 2015-01-01. Review status: no assertion criteria provided. Collection method: research. Allele origin: unknown. Affected: yes. Observed: 1 variant allele. Not counted in ClinVar's aggregate classification.

Literature cited by the submitters: PubMed 22334370 (cited by Labcorp Genetics (formerly Invitae), Labcorp and NIHR Bioresource Rare Diseases, University of Cambridge); PubMed 28041643 (cited by Labcorp Genetics (formerly Invitae), Labcorp and NIHR Bioresource Rare Diseases, University of Cambridge); PubMed 29068140 (cited by Labcorp Genetics (formerly Invitae), Labcorp); PubMed 32565670 (cited by Labcorp Genetics (formerly Invitae), Labcorp).